The following is an entry in ClinVar:

NM_000059.4(BRCA2):c.4741G>C (p.Glu1581Gln)

Gene: BRCA2 (BRCA2 DNA repair associated; plus strand). Cytogenetic location: 13q13.1.
Variant type: single nucleotide variant.
Coding change: c.4741G>C on transcript NM_000059.4 (MANE Select); coding-DNA position 4741, G replaced by C.
Protein change: p.Glu1581Gln; replaces glutamic acid 1581 with glutamine.
Molecular consequence: missense variant.
Genome position (GRCh38, 1-based): chr13:32,339,096, G>C. VCF-style: chr13-32339096-G-C. GRCh37 (hg19) VCF-style: chr13-32913233-G-C.
Other names: short protein forms E1581Q.
Identifiers: ClinVar variation 942371 (VCV000942371.15), dbSNP rs368952892, ClinGen allele CA6940809.

ClinVar aggregate classification (germline): Conflicting classifications of pathogenicity. Review status: criteria provided, conflicting classifications (1 of 4 stars). 6 submissions from 6 submitters: Uncertain significance (5); Likely benign (1). Last evaluated 2026-04-17.

Conditions:
Hereditary cancer-predisposing syndrome. Also called: Tumor predisposition; Hereditary Cancer Syndrome; Hereditary neoplastic syndrome; Neoplastic Syndromes, Hereditary. Identifiers: Orphanet 140162, MedGen C0027672, MeSH D009386, MONDO:0015356.
Hereditary breast ovarian cancer syndrome. Also called: Hereditary breast and/or ovarian cancer syndrome; Hereditary breast and ovarian cancer syndrome; Hereditary breast and ovarian cancer; Hereditary breast and ovarian cancer syndrome (HBOC); Breast and ovarian cancer; BRCA1- and BRCA2-Associated Hereditary Breast and Ovarian Cancer. Identifiers: Orphanet 145, MedGen C0677776, MeSH D061325, MONDO:0003582. Disease mechanism: loss of function.

Allele frequency attached by ClinVar (database versions not stated): gnomAD exomes below 0.00001; ExAC 0.00001.
gnomAD v4.1: 1 of 1,613,922 alleles (0.000062%); highest among the groups gnomAD compares: Non-Finnish European, 0.000085%; no homozygotes.

Submissions (6):

Women's Health and Genetics/Laboratory Corporation of America, LabCorp
Classification: Uncertain significance. Last evaluated: 2026-04-17. Review status: criteria provided, single submitter. Criteria: LabCorp Variant Classification Summary - May 2015. Collection method: clinical testing. Allele origin: germline.
Comment: Variant summary: BRCA2 c.4741G>C (p.Glu1581Gln) results in a conservative amino acid change in the encoded protein sequence. Algorithms developed to predict the effect of missense changes on protein structure and function all suggest that this variant is likely to be tolerated. The variant allele was found at a frequency of 4e-06 in 251010 control chromosomes. The available data on variant occurrences in the general population are insufficient to allow any conclusion about variant significance. To our knowledge, no occurrence of c.4741G>C in individuals affected with BRCA2-related conditions and no experimental evidence demonstrating its impact on protein function have been reported. ClinVar contains an entry for this variant (Variation ID: 942371). Based on the evidence outlined above, the variant was classified as uncertain significance.

Color Diagnostics, LLC DBA Color Health
Classification: Uncertain significance for Hereditary cancer-predisposing syndrome. Last evaluated: 2025-09-02. Review status: criteria provided, single submitter. Criteria: ACMG Guidelines, 2015. Collection method: clinical testing. Allele origin: germline.
Comment: This missense variant replaces glutamic acid with glutamine at codon 1581 of the BRCA2 protein. Computational prediction suggests that this variant may not impact protein structure and function. To our knowledge, functional studies have not been reported for this variant. This variant has not been reported in individuals affected with BRCA2-related disorders in the literature. This variant has been identified in 1/251010 chromosomes in the general population by the Genome Aggregation Database (gnomAD). The available evidence is insufficient to determine the role of this variant in disease conclusively. Therefore, this variant is classified as a Variant of Uncertain Significance.

Labcorp Genetics (formerly Invitae), Labcorp
Classification: Uncertain significance for Hereditary breast ovarian cancer syndrome. Last evaluated: 2025-01-12. Review status: criteria provided, single submitter. Criteria: Invitae Variant Classification Sherloc (09022015). Collection method: clinical testing. Allele origin: germline.
Comment: This sequence change replaces glutamic acid, which is acidic and polar, with glutamine, which is neutral and polar, at codon 1581 of the BRCA2 protein (p.Glu1581Gln). This variant is present in population databases (rs368952892, gnomAD 0.0009%). This variant has not been reported in the literature in individuals affected with BRCA2-related conditions. ClinVar contains an entry for this variant (Variation ID: 942371). Invitae Evidence Modeling of protein sequence and biophysical properties (such as structural, functional, and spatial information, amino acid conservation, physicochemical variation, residue mobility, and thermodynamic stability) indicates that this missense variant is not expected to disrupt BRCA2 protein function with a negative predictive value of 95%. In summary, the available evidence is currently insufficient to determine the role of this variant in disease. Therefore, it has been classified as a Variant of Uncertain Significance.

Ambry Genetics
Classification: Uncertain significance for Hereditary cancer-predisposing syndrome. Last evaluated: 2024-02-24. Review status: criteria provided, single submitter. Criteria: Ambry Variant Classification Scheme 2023. Collection method: clinical testing. Allele origin: germline.
Comment: The p.E1581Q variant (also known as c.4741G>C), located in coding exon 10 of the BRCA2 gene, results from a G to C substitution at nucleotide position 4741. The glutamic acid at codon 1581 is replaced by glutamine, an amino acid with highly similar properties. This amino acid position is not well conserved in available vertebrate species. In addition, this alteration is predicted to be tolerated by in silico analysis. Since supporting evidence is limited at this time, the clinical significance of this alteration remains unclear.

GeneDx
Classification: Uncertain significance. Last evaluated: 2023-07-31. Review status: criteria provided, single submitter. Criteria: GeneDx Variant Classification Process June 2021. Collection method: clinical testing. Allele origin: germline. Affected: yes.
Comment: Not observed at significant frequency in large population cohorts (gnomAD); In silico analysis supports that this missense variant does not alter protein structure/function; Has not been previously published as pathogenic or benign to our knowledge; Also known as 4969G>C; This variant is associated with the following publications: (PMID: 32377563, 31911673, 29884841)

University of Washington Department of Laboratory Medicine, University of Washington
Classification: Likely benign for Hereditary cancer-predisposing syndrome. Last evaluated: 2023-03-23. Review status: criteria provided, single submitter. Criteria: Dines et al. (Genet Med. 2020). Collection method: curation. Allele origin: germline.
Comment: Missense variant in a coldspot region where missense variants are very unlikely to be pathogenic (PMID:31911673).

BRCA2 exon 11 coldspot. Reclassification based on statistical prior probability.